The following is an entry in ClinVar:

ClinVar aggregate classification (germline): Likely benign. Review status: criteria provided, multiple submitters, no conflicts (2 of 4 stars). 4 submissions from 4 submitters: Likely benign (4). Last evaluated 2025-08-16.

Conditions:
Combined oxidative phosphorylation deficiency 44. Also called: FASTKD2-Related Combined Oxidative Phosphorylation Deficiency. Identifiers: MedGen C5394293, MONDO:0030020, OMIM 618855.

Allele frequency attached by ClinVar (database versions not stated): gnomAD 0.00007 and 0.00014; TOPMed 0.00008; gnomAD exomes 0.00016 and 0.00027; ExAC 0.00026.
gnomAD v4.1: 260 of 1,612,566 alleles (0.016%); highest among the groups gnomAD compares: South Asian, 0.18%; 2 homozygotes.

Submissions (4):

Labcorp Genetics (formerly Invitae), Labcorp
Classification: Likely benign. Last evaluated: 2025-08-16. Review status: criteria provided, single submitter. Criteria: Invitae Variant Classification Sherloc (09022015). Collection method: clinical testing. Allele origin: germline.

CeGaT Center for Human Genetics Tuebingen
Classification: Likely benign. Last evaluated: 2022-11-01. Review status: criteria provided, single submitter. Criteria: CeGaT Center For Human Genetics Tuebingen Variant Classification Criteria Version 2. Collection method: clinical testing. Allele origin: germline. Affected: yes. Observed: 1 variant allele.
Comment: FASTKD2: BP4, BP7

Fulgent Genetics
Classification: Likely benign for Combined oxidative phosphorylation deficiency 44. Last evaluated: 2021-09-09. Review status: criteria provided, single submitter. Criteria: ACMG Guidelines, 2015. Collection method: clinical testing. Allele origin: unknown.

GeneDx
Classification: Likely benign. Last evaluated: 2018-07-30. Review status: criteria provided, single submitter. Criteria: GeneDx Variant Classification Process June 2021. Collection method: clinical testing. Allele origin: germline. Affected: yes.

NM_001136193.2(FASTKD2):c.2124C>T (p.Ser708=)

Gene: FASTKD2 (FASTK mitochondrial RNA regulator 2; plus strand). Cytogenetic location: 2q33.3.
Variant type: single nucleotide variant.
Coding change: c.2124C>T on transcript NM_001136193.2 (MANE Select); coding-DNA position 2124, C replaced by T.
Protein change: p.Ser708=; no amino-acid change (serine 708 retained).
Molecular consequence: synonymous variant.
Genome position (GRCh38, 1-based): chr2:206,791,793, C>T. VCF-style: chr2-206791793-C-T. GRCh37 (hg19) VCF-style: chr2-207656517-C-T.
Other names: c.2124C>T, p.Ser708= (NM_001136194.2, NM_014929.4).
Identifiers: ClinVar variation 1219083 (VCV001219083.33), dbSNP rs200616436, ClinGen allele CA2075364.
Genomic context (GRCh38, chr2:206,791,793, plus strand): 5'-TTTGAAGACTAAAATCTATTCAGTAGAAGCTCTTCCTGTTGCTGCTGTAAATGTGCAAAG[C>T]ACACAATAAAGTGAAAATCAACCTTTTCATATTAGGAGACATGCATTTGTAAAAATTAAT-3'
Protein context (NP_001129665.1, residues 698-710): ALPVAAVNVQ[Ser708=]TQ